The following is an entry in ClinVar:

NM_178452.6(DNAAF1):c.30del (p.Gly11fs)

Gene: DNAAF1 (dynein axonemal assembly factor 1; plus strand). Cytogenetic location: 16q24.1.
Variant type: Deletion.
Coding change: c.30del on transcript NM_178452.6 (MANE Select); coding-DNA position 30, one base deleted (A; older notation c.30delA).
Protein change: p.Gly11fs; shifts the reading frame from glycine 11.
Molecular consequence: frameshift variant.
Genome position (GRCh38, 1-based): chr16:84,145,470, A deleted. VCF-style (leftmost placement, unchanged base first): chr16-84145469-CA-C. GRCh37 (hg19) VCF-style: chr16-84179074-CA-C.
Other names: short protein forms G11fs.
Identifiers: ClinVar variation 2048027 (VCV002048027.4), dbSNP rs2507307401, ClinGen allele CA2580092759.

ClinVar aggregate classification (germline): Pathogenic (1 of 4 stars; one submission).

Conditions:
Primary ciliary dyskinesia. Also called: Ciliary dyskinesia. Identifiers: Orphanet 244, MedGen C0008780, MONDO:0016575, HP:0012265.

Submission:

Labcorp Genetics (formerly Invitae), Labcorp
Classification: Pathogenic for Primary ciliary dyskinesia. Last evaluated: 2021-12-24. Review status: criteria provided, single submitter. Criteria: Invitae Variant Classification Sherloc (09022015). Collection method: clinical testing. Allele origin: germline.
Comment: This sequence change creates a premature translational stop signal (p.Gly11Valfs*78) in the DNAAF1 gene. It is expected to result in an absent or disrupted protein product. Loss-of-function variants in DNAAF1 are known to be pathogenic (PMID: 19944400, 19944405). For these reasons, this variant has been classified as Pathogenic. This variant has not been reported in the literature in individuals affected with DNAAF1-related conditions. This variant is not present in population databases (gnomAD no frequency).

Literature cited by the submitters: PubMed 19944400; PubMed 19944405.